The following is an entry in ClinVar:

NM_019032.6(ADAMTSL4):c.2986C>T (p.Gln996Ter)

Gene: ADAMTSL4 (ADAMTS like 4; plus strand). Cytogenetic location: 1q21.2.
Variant type: single nucleotide variant.
Coding change: c.2986C>T on transcript NM_019032.6 (MANE Select); coding-DNA position 2986, C replaced by T.
Protein change: p.Gln996Ter; replaces glutamine 996 with a stop codon.
Molecular consequence: nonsense.
Genome position (GRCh38, 1-based): chr1:150,559,803, C>T. VCF-style: chr1-150559803-C-T. GRCh37 (hg19) VCF-style: chr1-150532279-C-T.
Other names: c.2869C>T, p.Gln957Ter (NM_001288607.2); c.3055C>T, p.Gln1019Ter (NM_001288608.2); c.2986C>T, p.Gln996Ter (NM_001378596.1); short protein forms Q996*, Q1019*, Q957*.
Identifiers: ClinVar variation 3632815 (VCV003632815.2).
Genomic context (GRCh38, chr1:150,559,803, plus strand): 5'-TGGCTGGGGTCGCCCCAGTGTTCTCGCTCCTGCCAAGGGGGAACGCAGACACGGGAGGTC[C>T]AGTGCCTGAGCACCAACCAGACCCTCAGCACCCGATGCCCTCCTCAACTGCGGCCCTCCA-3'

ClinVar aggregate classification (germline): Pathogenic (1 of 4 stars; one submission).

Submission:

Labcorp Genetics (formerly Invitae), Labcorp
Classification: Pathogenic. Last evaluated: 2024-01-16. Review status: criteria provided, single submitter. Criteria: Invitae Variant Classification Sherloc (09022015). Collection method: clinical testing. Allele origin: germline.
Comment: This sequence change creates a premature translational stop signal (p.Gln996*) in the ADAMTSL4 gene. It is expected to result in an absent or disrupted protein product. Loss-of-function variants in ADAMTSL4 are known to be pathogenic (PMID: 20564469, 28642162). This variant is not present in population databases (gnomAD no frequency). This variant has not been reported in the literature in individuals affected with ADAMTSL4-related conditions. Algorithms developed to predict the effect of sequence changes on RNA splicing suggest that this variant may disrupt the consensus splice site. For these reasons, this variant has been classified as Pathogenic.

Literature cited by the submitters: PubMed 20564469; PubMed 28642162.